The following is an entry in ClinVar:

NM_017534.6(MYH2):c.4973A>G (p.Asp1658Gly)

Genes: MYHAS (myosin heavy chain gene cluster antisense RNA; plus strand), MYH2 (myosin heavy chain 2; minus strand), LOC126862500 (BRD4-independent group 4 enhancer GRCh37_chr17:10427829-10429028; plus strand). Cytogenetic location: 17p13.1.
Variant type: single nucleotide variant.
Coding change: c.4973A>G on transcript NM_017534.6 (MANE Select); coding-DNA position 4973, A replaced by G.
Protein change: p.Asp1658Gly; replaces aspartic acid 1658 with glycine.
Molecular consequence: missense variant.
Genome position (GRCh38, 1-based): chr17:10,524,668, T>C on the plus strand (A>G on the coding strand, the complement: MYH2 is on the minus strand). VCF-style: chr17-10524668-T-C. GRCh37 (hg19) VCF-style: chr17-10427985-T-C.
Other names: c.4973A>G, p.Asp1658Gly (NM_001100112.2); short protein forms D1658G.
Identifiers: ClinVar variation 1722006 (VCV001722006.6), dbSNP rs2508412791, ClinGen allele CA398120264.
Genomic context (GRCh38, chr17:10,524,668, plus strand): 5'-GCCAGCTGTTCCTTCAGGTCCTCCTGGCTCCGGAGAGCATCATCCAGGTGGATCTGGGTA[T>C]CCTGTGAAACAAACCATCATTGAGACATCATGTTCTCAGGGTTGCAGGCACCCCAATAGT-3'
Protein context (NP_060004.3, residues 1648-1668): NYRNTQGILK[Asp1658Gly]TQIHLDDALR

ClinVar aggregate classification (germline): Uncertain significance (1 of 4 stars; one submission).

Conditions:
Myopathy, proximal, and ophthalmoplegia (CMYO6). Also called: MYOPATHY WITH CONGENITAL JOINT CONTRACTURES, OPHTHALMOPLEGIA, AND RIMMED VACUOLES; INCLUSION BODY MYOPATHY 3, AUTOSOMAL DOMINANT; CONGENITAL MYOPATHY 6 WITH OPHTHALMOPLEGIA. Identifiers: Orphanet 363677, Orphanet 79091, MedGen C1854106, MONDO:0011577, OMIM 605637.

Submission:

Labcorp Genetics (formerly Invitae), Labcorp
Classification: Uncertain significance for Myopathy, proximal, and ophthalmoplegia. Last evaluated: 2022-10-21. Review status: criteria provided, single submitter. Criteria: Invitae Variant Classification Sherloc (09022015). Collection method: clinical testing. Allele origin: germline.
Comment: This sequence change replaces aspartic acid, which is acidic and polar, with glycine, which is neutral and non-polar, at codon 1658 of the MYH2 protein (p.Asp1658Gly). This variant is not present in population databases (gnomAD no frequency). This variant has not been reported in the literature in individuals affected with MYH2-related conditions. Algorithms developed to predict the effect of missense changes on protein structure and function (SIFT, PolyPhen-2, Align-GVGD) all suggest that this variant is likely to be disruptive. In summary, the available evidence is currently insufficient to determine the role of this variant in disease. Therefore, it has been classified as a Variant of Uncertain Significance.